The following is an entry in ClinVar:

ClinVar aggregate classification (germline): Uncertain significance. Review status: criteria provided, multiple submitters, no conflicts (2 of 4 stars). 2 submissions from 2 submitters: Uncertain significance (2). Last evaluated 2024-04-22.

Conditions:
Familial cancer of breast. Also called: BREAST CANCER, FAMILIAL; hereditary breast carcinoma; Hereditary breast cancer. Identifiers: Orphanet 227535, MedGen C0346153, MONDO:0016419, OMIM 114480. Disease mechanism: loss of function.
Hereditary cancer-predisposing syndrome. Also called: Neoplastic Syndromes, Hereditary; Tumor predisposition; Hereditary neoplastic syndrome; Hereditary Cancer Syndrome. Identifiers: Orphanet 140162, MedGen C0027672, MeSH D009386, MONDO:0015356.

Submissions (2):

Labcorp Genetics (formerly Invitae), Labcorp
Classification: Uncertain significance for Familial cancer of breast. Last evaluated: 2024-04-22. Review status: criteria provided, single submitter. Criteria: Invitae Variant Classification Sherloc (09022015). Collection method: clinical testing. Allele origin: germline.
Comment: This sequence change replaces phenylalanine, which is neutral and non-polar, with cysteine, which is neutral and slightly polar, at codon 347 of the BARD1 protein (p.Phe347Cys). This variant is not present in population databases (gnomAD no frequency). This variant has not been reported in the literature in individuals affected with BARD1-related conditions. ClinVar contains an entry for this variant (Variation ID: 581507). An algorithm developed to predict the effect of missense changes on protein structure and function (PolyPhen-2) suggests that this variant is likely to be tolerated. In summary, the available evidence is currently insufficient to determine the role of this variant in disease. Therefore, it has been classified as a Variant of Uncertain Significance.

Ambry Genetics
Classification: Uncertain significance for Hereditary cancer-predisposing syndrome. Last evaluated: 2023-05-07. Review status: criteria provided, single submitter. Criteria: Ambry Variant Classification Scheme 2023. Collection method: clinical testing. Allele origin: germline.
Comment: The p.F347C variant (also known as c.1040T>G), located in coding exon 4 of the BARD1 gene, results from a T to G substitution at nucleotide position 1040. The phenylalanine at codon 347 is replaced by cysteine, an amino acid with highly dissimilar properties. This amino acid position is not well conserved in available vertebrate species. In addition, this alteration is predicted to be tolerated by in silico analysis. Since supporting evidence is limited at this time, the clinical significance of this alteration remains unclear.

NM_000465.4(BARD1):c.1040T>G (p.Phe347Cys)

Gene: BARD1 (BRCA1 associated RING domain 1; minus strand). Cytogenetic location: 2q35.
Variant type: single nucleotide variant.
Coding change: c.1040T>G on transcript NM_000465.4 (MANE Select); coding-DNA position 1040, T replaced by G.
Protein change: p.Phe347Cys; replaces phenylalanine 347 with cysteine.
Molecular consequence: missense variant. On other transcripts: non-coding transcript variant (2), intron variant (3).
Genome position (GRCh38, 1-based): chr2:214,780,834, A>C on the plus strand (T>G on the coding strand, the complement: BARD1 is on the minus strand). VCF-style: chr2-214780834-A-C. GRCh37 (hg19) VCF-style: chr2-215645558-A-C.
Other names: c.983T>G, p.Phe328Cys (NM_001282543.2); c.159-28279T>G (NM_001282548.2); c.215+16227T>G (NM_001282545.2); c.364+11463T>G (NM_001282549.2); short protein forms F347C, F328C.
Identifiers: ClinVar variation 581507 (VCV000581507.12), dbSNP rs1559424172, ClinGen allele CA350454208.